The following is an entry in ClinVar:

NM_003620.4(PPM1D):c.1654C>T (p.Arg552Ter)

Gene: PPM1D (protein phosphatase, Mg2+/Mn2+ dependent 1D; plus strand). Cytogenetic location: 17q23.2.
Variant type: single nucleotide variant.
Coding change: c.1654C>T on transcript NM_003620.4 (MANE Select); coding-DNA position 1654, C replaced by T.
Protein change: p.Arg552Ter; replaces arginine 552 with a stop codon.
Molecular consequence: nonsense.
Genome position (GRCh38, 1-based): chr17:60,663,388, C>T. VCF-style: chr17-60663388-C-T. GRCh37 (hg19) VCF-style: chr17-58740749-C-T.
Other names: short protein forms R552*.
Identifiers: ClinVar variation 620148 (VCV000620148.25), dbSNP rs779070661, ClinGen allele CA8687845.
Genomic context (GRCh38, chr17:60,663,388, plus strand): 5'-ACAAACTTTAAAAGGACATTAGAAGAGTCCAATTCTGGCCCCCTGATGAAGAAGCATAGA[C>T]GAAATGGCTTAAGTCGAAGTAGTGGTGCTCAGCCTGCAAGTCTCCCCACAACCTCACAGC-3'

ClinVar aggregate classification (germline): Conflicting classifications of pathogenicity. Review status: criteria provided, conflicting classifications (1 of 4 stars). 11 submissions from 11 submitters: Pathogenic (3); Likely pathogenic (4); Uncertain significance (3). 1 of the submissions does not count toward it. Last evaluated 2026-08-03.
ClinVar aggregate classification (somatic clinical impact): Tier II - Potential (1 of 4 stars; one submission).

Conditions:
PPM1D-related disorder. Also called: PPM1D-related condition.
Inborn genetic diseases. Identifiers: MedGen C0950123, MeSH D030342.
Intellectual developmental disorder with gastrointestinal difficulties and high pain threshold (JDVS). Also called: JANSEN-DE VRIES SYNDROME. Identifiers: Orphanet 653767, MedGen C4479517, MONDO:0044318, OMIM 617450.
Lung carcinoma. Identifiers: MedGen C0684249, MONDO:0005138.
Medulloblastoma WNT activated. Identifiers: MedGen C4331965, MONDO:0850196.

Allele frequency attached by ClinVar (database versions not stated): ExAC 0.00001; gnomAD exomes 0.00002; gnomAD 0.00004 and 0.00005; 1000 Genomes Project 30x 0.00016.
gnomAD v4.1: 31 of 1,614,016 alleles (0.0019%); highest among the groups gnomAD compares: Non-Finnish European, 0.0021%; no homozygotes.

Submissions 1 to 6 of 12:

Institute of Human Genetics, University of Leipzig Medical Center
Classification: Likely pathogenic for Intellectual developmental disorder with gastrointestinal difficulties and high pain threshold. Last evaluated: 2026-08-03. Review status: criteria provided, single submitter. Criteria: ACMG Guidelines, 2015. Collection method: clinical testing. Allele origin: unknown. Inheritance: Autosomal dominant inheritance. Affected: yes.
Comment: Criteria applied: PS2,PVS1_MOD,PS4_MOD

Ambry Genetics
Classification: Uncertain significance for Inborn genetic diseases. Last evaluated: 2025-12-31. Review status: criteria provided, single submitter. Criteria: Ambry Variant Classification Scheme 2023. Collection method: clinical testing. Allele origin: germline.
Comment: The c.1654C>T (p.R552*) alteration, located in exon 6 (coding exon 6) of the PPM1D gene, consists of a C to T substitution at nucleotide position 1654. This changes the amino acid from a arginine (R) to a stop codon at amino acid position 552. This variant is not expected to trigger nonsense-mediated mRNA decay, and impacts the last 8.9% of the protein. The exact functional effect of this alteration is unknown. The Genome Aggregation Database (gnomAD) data for this variant is unreliable due to technical and/or biological issues; therefore, population frequency estimates were not considered. This variant was reported in individual(s) with features consistent with Jansen-de Vries syndrome; in at least one individual, it was determined to be de novo (Jansen, 2017; Wojcik, 2023; external communication). This alteration is predicted to be deleterious by in silico analysis (Choi, 2012). Based on insufficient or conflicting evidence, the clinical significance of this alteration remains unclear.

Women's Health and Genetics/Laboratory Corporation of America, LabCorp
Classification: Likely pathogenic for Intellectual developmental disorder with gastrointestinal difficulties and high pain threshold. Last evaluated: 2025-12-15. Review status: criteria provided, single submitter. Criteria: LabCorp Variant Classification Summary - May 2015. Collection method: clinical testing. Allele origin: germline.
Comment: Variant summary: PPM1D c.1654C>T (p.Arg552X) results in a premature termination codon, predicted to cause a truncation of the encoded protein or absence of the protein due to nonsense mediated decay, however current evidence is not sufficient to establish loss of function as a mechanism for disease. The frequency data for this variant in gnomAD is considered unreliable, as metrics indicate poor data quality at this position. c.1654C>T has been reported in the literature in individuals affected with clinical features of Jansen-de Vries Syndrome, including at least one de novo occurrence (Jansen_2017, Kaplanis_2020, Wojcik_2023, internal data). This variant was also found in peripheral white blood cell derived DNA samples from individuals affected with ovarian- and breast cancer (e.g. Akbari_2014, Amuzu_2018, Li_2018, Machiela_2019), however these studies did not exclude the possibility of potential somatic mosaicism. Somatic occurrence with a low variant fraction (VF) was found in a peripheral blood sample from a healthy individual (Weber-Lassalle_2018). This study also reported that truncating variants in the PPM1D gene occurred with generally low VFs in blood-derived DNA from several ovarian cancer patients undergoing chemotherapy. In accordance with these findings, a recent functional study demonstrated that cell lines carrying PPM1D mutations (including a truncating mutation in the last exon) can expand to outcompete normal cells after exposure to cytotoxic DNA damaging agents (Hsu_2018). Two publications reported experimental evidence evaluating the impact of the variant on protein function, and demonstrated reduced protein levels (Dudgeon_2013) and increased phosphatase activity (Hsu_2018); these data do not allow convincing conclusions about the variant effect. The following publications have been ascertained in the context of this evaluation (PMID: 24262437, 23907125, 30388424, 28343630, 33057194, 29752822, 30850729, 28852847, 30216591, 37183572). ClinVar contains an entry for this variant (Variation ID: 620148). Based on the evidence outlined above, the variant was classified as likely pathogenic.

PreventionGenetics, part of Exact Sciences
Classification: Likely pathogenic for PPM1D-related condition. Last evaluated: 2025-10-24. Review status: criteria provided, single submitter. Criteria: ACMG Guidelines, 2015. Collection method: clinical testing. Allele origin: germline.
Comment: The PPM1D c.1654C>T variant is predicted to result in premature protein termination (p.Arg552*). This variant has been reported to be de novo in a child with Jansen-de Vries syndrome (Wojcik et al. 2023. PubMed ID: 37183572) and in a study associating de novo variants in the terminal and penultimate exons with mild to severe intellectual disability and/or developmental delay, although inheritance was not determined in the patient with this variant (Jansen et al. 2017. PubMed ID: 28343630). This variant has also been reported in the peripheral blood of at least two individuals with late-onset ovarian cancer (Akbari et al. 2014. PubMed ID: 24262437), in an individual with lung cancer who had a significant family history of various cancer types (Biswas et al. 2023. PubMed ID: 37378944), and in a patient with diffuse cerebellar glioma (Nomura et al. 2017. PubMed ID: 28852847). It has also been reported as a mosaic variant in four individuals in a cancer screening study (Table S4, Machiela et al. 2019. PubMed ID: 30850729; Weber-Lassalle et al. 2018. PubMed ID: 30216591) and as a germline variant in a patient with high hereditary risk for breast cancer (Table S4, Li et al. 2018. PubMed ID: 29752822). Functional studies demonstrated this variant led to protein instability and reduced protein levels (Dudgeon et al. 2013. PubMed ID: 23907125) and increased phosphatase activity (Figure S2, Hsu et al. 2018. PubMed ID: 30388424). The amino acid p.Arg552 is located in the C terminus and is the last amino acid in one of the two putative localizing signal regions (Dudgeon et al. 2013. PubMed ID: 23907125). This variant is reported in 0.0023% of alleles in individuals of European (non-Finnish) descent in gnomAD, although NGS read frequency is skewed suggestive of somatic mosaicism in some individuals. This variant is interpreted as likely pathogenic.

Variantyx, Inc.
Classification: Pathogenic for Intellectual developmental disorder with gastrointestinal difficulties and high pain threshold. Last evaluated: 2025-10-14. Review status: criteria provided, single submitter. Criteria: Variantyx Assertion Criteria 2022. Collection method: clinical testing. Allele origin: de novo. Inheritance: Autosomal dominant inheritance. Affected: no.
Comment: This is a nonsense variant in the PPM1D gene (OMIM: 605100). Pathogenic variants in this gene have been associated with autosomal dominant Jansen-de Vries syndrome. The alteration introduces a premature termination codon in the last exon of the gene. Protein truncation is a common disease mechanism for PPM1D in this disorder (PMID: 28343630) (PVS1). This variant has been reported in multiple unrelated affected individuals (PMID: 33057194, 28343630, 34312540, 35982159) (PS4_Moderate), while it has a 0.0021% maximum allele frequency in non-founder control populations (PM2). Based on the current evidence, this variant is classified as pathogenic for autosomal dominant Jansen-de Vries syndrome. Somatic mosaic truncating variants in PPM1D are associated with clonal hematopoiesis during aging and cancer therapy (PMID: 34963005;37709843). Some of the truncating variants in gnomAD, many of which exhibit allelic imbalance, may therefore represent somatic mosaicism.

GeneDx
Classification: Likely pathogenic. Last evaluated: 2025-08-14. Review status: criteria provided, single submitter. Criteria: GeneDx Variant Classification Process June 2021. Collection method: clinical testing. Allele origin: germline. Affected: yes.
Comment: Detected in circulating white blood cells of at least two individuals with late-onset ovarian cancer, but may represent genomic instability or clonal hematopoiesis (PMID: 24262437); Nonsense variant predicted to result in protein truncation as the last 54 amino acids are lost; This variant is associated with the following publications: (PMID: 23907125, 30388424, 30216591, 30850729, 29752822, 35496359, 28343630, 24262437, 36555431, 34312540, 33057194, 37183572, 35982159, 37378944, 40400994)